The following is an entry in ClinVar:

NM_152564.5(VPS13B):c.9639del (p.Glu3213fs)

Gene: VPS13B (vacuolar protein sorting 13 homolog B; plus strand). Cytogenetic location: 8q22.2.
Variant type: Deletion.
Coding change: c.9639del on transcript NM_152564.5 (MANE Select); coding-DNA position 9639, one base deleted (A; older notation c.9639delA).
Protein change: p.Glu3213fs; shifts the reading frame from glutamic acid 3213.
Molecular consequence: frameshift variant.
Genome position (GRCh38, 1-based): chr8:99,835,221, A deleted; the last of 2 consecutive A bases (chr8:99,835,220-99,835,221); deleting either gives the same sequence. VCF-style (leftmost placement, unchanged base first): chr8-99835219-GA-G. GRCh37 (hg19) VCF-style: chr8-100847447-GA-G.
Other names: c.9714del, p.Glu3238fs (NM_017890.5); short protein forms E3213fs, E3238fs.
Identifiers: ClinVar variation 1973867 (VCV001973867.5), dbSNP rs1815323043, ClinGen allele CA1117122570.

ClinVar aggregate classification (germline): Pathogenic (1 of 4 stars; one submission).

Conditions:
Cohen syndrome (COH1). Also called: Cutis verticis gyrata, retinitis pigmentosa, and sensorineural deafness; PEPPER SYNDROME. Identifiers: Orphanet 193, MedGen C0265223, MONDO:0008999, OMIM 216550.

Submission:

Labcorp Genetics (formerly Invitae), Labcorp
Classification: Pathogenic for Cohen syndrome. Last evaluated: 2022-05-31. Review status: criteria provided, single submitter. Criteria: Invitae Variant Classification Sherloc (09022015). Collection method: clinical testing. Allele origin: germline.
Comment: This sequence change creates a premature translational stop signal (p.Glu3238Aspfs*5) in the VPS13B gene. It is expected to result in an absent or disrupted protein product. Loss-of-function variants in VPS13B are known to be pathogenic (PMID: 15141358, 16648375, 20461111). This variant is not present in population databases (gnomAD no frequency). This variant has not been reported in the literature in individuals affected with VPS13B-related conditions. For these reasons, this variant has been classified as Pathogenic.

Literature cited by the submitters: PubMed 15141358; PubMed 16648375; PubMed 20461111.